The following is an entry in ClinVar:

ClinVar aggregate classification (germline): Likely benign. Review status: criteria provided, multiple submitters, no conflicts (2 of 4 stars). 4 submissions from 4 submitters: Likely benign (4). Last evaluated 2023-06-15.

Conditions:
Cardiomyopathy (CMYO). Also called: Cardiomyopathies. Identifiers: Orphanet 167848, MedGen C0878544, MONDO:0004994, HP:0001638. Inheritance: Various modes of inheritance.
Arrhythmogenic right ventricular dysplasia 11. Also called: Arrhythmogenic Right Ventricular Dysplasia/Cardiomyopathy11; ARRHYTHMOGENIC RIGHT VENTRICULAR DYSPLASIA, FAMILIAL, 11; Arrhythmogenic right ventricular dysplasia 11 with mild palmoplantar keratoderma and woolly hair. Identifiers: MedGen C1864850, MONDO:0012506, OMIM 610476.
Cardiovascular phenotype. Identifiers: MedGen CN230736.
Familial isolated arrhythmogenic right ventricular dysplasia. Identifiers: Orphanet 217656, MedGen C4274968, MONDO:0016342.

Allele frequency attached by ClinVar (database versions not stated): gnomAD exomes 0.00001 and 0.00002; TOPMed 0.00001.
gnomAD v4.1: 31 of 1,614,016 alleles (0.0019%); highest among the groups gnomAD compares: Non-Finnish European, 0.0025%; no homozygotes.

Submissions (4):

All of Us Research Program, National Institutes of Health
Classification: Likely benign for Familial isolated arrhythmogenic right ventricular dysplasia. Last evaluated: 2023-06-15. Review status: criteria provided, single submitter. Criteria: ACMG Guidelines, 2015. Collection method: clinical testing. Allele origin: germline. Inheritance: Autosomal dominant inheritance. Observed: 1 variant allele, 1 heterozygote.
Comment: This study involves interpretation of variants in research participants for the purpose of population health screening. Participant phenotype was not available at the time of variant classification. Additional details can be found in publication PMID: 35346344, PMCID: PMC8962531

Labcorp Genetics (formerly Invitae), Labcorp
Classification: Likely benign for Arrhythmogenic right ventricular dysplasia 11. Last evaluated: 2022-02-22. Review status: criteria provided, single submitter. Criteria: Invitae Variant Classification Sherloc (09022015). Collection method: clinical testing. Allele origin: germline.

Color Diagnostics, LLC DBA Color Health
Classification: Likely benign for Cardiomyopathy. Last evaluated: 2021-10-20. Review status: criteria provided, single submitter. Criteria: ACMG Guidelines, 2015. Collection method: clinical testing. Allele origin: germline.

Ambry Genetics
Classification: Likely benign for Cardiovascular phenotype. Last evaluated: 2021-02-18. Review status: criteria provided, single submitter. Criteria: Ambry Variant Classification Scheme 2023. Collection method: clinical testing. Allele origin: germline.

NM_024422.6(DSC2):c.1803G>A (p.Glu601=)

Gene: DSC2 (desmocollin 2; minus strand). Cytogenetic location: 18q12.1.
Variant type: single nucleotide variant.
Coding change: c.1803G>A on transcript NM_024422.6 (MANE Select); coding-DNA position 1803, G replaced by A.
Protein change: p.Glu601=; no amino-acid change (glutamic acid 601 retained).
Molecular consequence: synonymous variant.
Genome position (GRCh38, 1-based): chr18:31,074,768, C>T on the plus strand (G>A on the coding strand, the complement: DSC2 is on the minus strand). VCF-style: chr18-31074768-C-T. GRCh37 (hg19) VCF-style: chr18-28654734-C-T.
Other names: c.1803G>A, p.Glu601= (NM_004949.5).
Identifiers: ClinVar variation 718740 (VCV000718740.14), dbSNP rs1288832288, ClinGen allele CA503385126.